The following is an entry in ClinVar:

NM_016247.4(IMPG2):c.1087C>T (p.Gln363Ter)

Gene: IMPG2 (interphotoreceptor matrix proteoglycan 2; minus strand). Cytogenetic location: 3q12.3.
Variant type: single nucleotide variant.
Coding change: c.1087C>T on transcript NM_016247.4 (MANE Select); coding-DNA position 1087, C replaced by T.
Protein change: p.Gln363Ter; replaces glutamine 363 with a stop codon.
Molecular consequence: nonsense.
Genome position (GRCh38, 1-based): chr3:101,257,595, G>A on the plus strand (C>T on the coding strand, the complement: IMPG2 is on the minus strand). VCF-style: chr3-101257595-G-A. GRCh37 (hg19) VCF-style: chr3-100976439-G-A.
Other names: short protein forms Q363*.
Identifiers: ClinVar variation 931179 (VCV000931179.10), dbSNP rs753747821, ClinGen allele CA2519283.

ClinVar aggregate classification (germline): Pathogenic. Review status: criteria provided, multiple submitters, no conflicts (2 of 4 stars). 3 submissions from 3 submitters: Pathogenic (2). 1 of the submissions does not count toward it. Last evaluated 2020-08-04.

Conditions:
Retinitis pigmentosa 56 (RP56). Identifiers: Orphanet 791, MedGen C3150819, MONDO:0013314, OMIM 613581.
Retinal dystrophy. Also called: Inherited retinal dystrophy. Identifiers: Orphanet 71862, MedGen C0854723, MeSH D058499, MONDO:0019118, HP:0000556.

Allele frequency attached by ClinVar (database versions not stated): gnomAD exomes below 0.00001; ExAC 0.00001.

Submissions (3):

Labcorp Genetics (formerly Invitae), Labcorp
Classification: Pathogenic. Last evaluated: 2020-08-04. Review status: criteria provided, single submitter. Criteria: Invitae Variant Classification Sherloc (09022015). Collection method: clinical testing. Allele origin: germline.
Comment: For these reasons, this variant has been classified as Pathogenic. Loss-of-function variants in IMPG2 are known to be pathogenic (PMID: 20673862). This variant has not been reported in the literature in individuals with IMPG2-related conditions. This variant is present in population databases (rs753747821, ExAC 0.002%). This sequence change creates a premature translational stop signal (p.Gln363*) in the IMPG2 gene. It is expected to result in an absent or disrupted protein product.

Centre for Mendelian Genomics, University Medical Centre Ljubljana
Classification: Pathogenic for Retinitis pigmentosa 56. Last evaluated: 2019-09-16. Review status: criteria provided, single submitter. Criteria: ACMG Guidelines, 2015. Collection method: clinical testing. Allele origin: unknown. Affected: yes.
Comment: This variant was classified as: Pathogenic. The following ACMG criteria were applied in classifying this variant: PVS1,PM2,PP3.

Institute of Human Genetics, Univ. Regensburg, Univ. Regensburg
Classification: Pathogenic for Retinal dystrophy. Last evaluated: 2020-01-01. Review status: no assertion criteria provided. Criteria: ACMG Guidelines, 2015. Collection method: clinical testing. Allele origin: germline. Affected: yes. Not counted in ClinVar's aggregate classification.

Literature cited by the submitters: PubMed 20673862 (cited by Labcorp Genetics (formerly Invitae), Labcorp).